The following is an entry in ClinVar:

NM_000334.4(SCN4A):c.5458G>A (p.Ala1820Thr)

Genes: GH-LCR (growth hormone locus control region; plus strand), SCN4A (sodium voltage-gated channel alpha subunit 4; minus strand). Cytogenetic location: 17q23.3.
Variant type: single nucleotide variant.
Coding change: c.5458G>A on transcript NM_000334.4 (MANE Select); coding-DNA position 5458, G replaced by A.
Protein change: p.Ala1820Thr; replaces alanine 1820 with threonine.
Molecular consequence: missense variant.
Genome position (GRCh38, 1-based): chr17:63,940,824, C>T on the plus strand (G>A on the coding strand, the complement: SCN4A is on the minus strand). VCF-style: chr17-63940824-C-T. GRCh37 (hg19) VCF-style: chr17-62018184-C-T.
Other names: short protein forms A1820T.
Identifiers: ClinVar variation 2435748 (VCV002435748.7), dbSNP rs775880707, ClinGen allele CA8708748.
Genomic context (GRCh38, chr17:63,940,824, plus strand): 5'-CTGCCTGCTAGACAAGAGACTCCTTGACACCTGGGCGCACAGTCTGCCCTGGGGGAGGGG[C>T]GGGAGGCCAGGCAGTGTCTGAGGGGCTGATGGGCATCAGCCCCATAGTGGGTCCGGCGTC-3'
Protein context (NP_000325.4, residues 1810-1830): ISPSDTAWPP[Ala1820Thr]PPPGQTVRPG

ClinVar aggregate classification (germline): Uncertain significance. Review status: criteria provided, multiple submitters, no conflicts (2 of 4 stars). 3 submissions from 3 submitters: Uncertain significance (2). 1 of the submissions does not count toward it. Last evaluated 2026-02-02.

Conditions:
Hypokalemic periodic paralysis, type 2 (HOKPP2). Identifiers: Orphanet 681, MedGen C2750061, MONDO:0013234, OMIM 613345.
Hyperkalemic periodic paralysis. Also called: Familial hyperkalemic periodic paralysis; Gamstorp disease. Identifiers: Orphanet 682, MedGen C0238357, MONDO:0008224, OMIM 170500, HP:0007215.

Allele frequency attached by ClinVar (database versions not stated): ExAC 0.00001; gnomAD 0.00001; gnomAD exomes 0.00001; TOPMed 0.00001.
gnomAD v4.1: 17 of 1,604,670 alleles (0.0011%); highest among the groups gnomAD compares: East Asian, 0.0022%; no homozygotes.

Submissions (3):

Labcorp Genetics (formerly Invitae), Labcorp
Classification: Uncertain significance for Hyperkalemic periodic paralysis. Last evaluated: 2026-02-02. Review status: criteria provided, single submitter. Criteria: Invitae Variant Classification Sherloc (09022015). Collection method: clinical testing. Allele origin: germline.
Comment: This sequence change replaces alanine, which is neutral and non-polar, with threonine, which is neutral and polar, at codon 1820 of the SCN4A protein (p.Ala1820Thr). The frequency data for this variant in the population databases is considered unreliable, as metrics indicate poor data quality at this position in the gnomAD database. This variant has not been reported in the literature in individuals affected with SCN4A-related conditions. ClinVar contains an entry for this variant (Variation ID: 2435748). Invitae Evidence Modeling of protein sequence and biophysical properties (such as structural, functional, and spatial information, amino acid conservation, physicochemical variation, residue mobility, and thermodynamic stability) indicates that this missense variant is not expected to disrupt SCN4A protein function with a negative predictive value of 95%. In summary, the available evidence is currently insufficient to determine the role of this variant in disease. Therefore, it has been classified as a Variant of Uncertain Significance.

Revvity Omics, Revvity
Classification: Uncertain significance. Last evaluated: 2019-12-02. Review status: criteria provided, single submitter. Criteria: ACMG Guidelines, 2015. Collection method: clinical testing. Allele origin: germline.

Zotz-Klimas Genetics Lab, MVZ Zotz Klimas
Classification: Uncertain significance for Hypokalemic periodic paralysis, type 2. Last evaluated: 2023-11-24. Review status: no assertion criteria provided. Collection method: clinical testing. Allele origin: germline. Affected: yes. Not counted in ClinVar's aggregate classification.